The following is an entry in ClinVar:

ClinVar aggregate classification (germline): Uncertain significance. Review status: criteria provided, multiple submitters, no conflicts (2 of 4 stars). 3 submissions from 3 submitters: Uncertain significance (3). Last evaluated 2026-03-14.

Conditions:
Weaver syndrome (WVS). Also called: Weaver Smith syndrome; Overgrowth syndrome with accelerated skeletal maturation, unusual facies, and camptodactyly. Identifiers: Orphanet 3447, MedGen C0265210, MONDO:0010193, OMIM 277590.

Submissions (3):

Dasa
Classification: Uncertain significance for Weaver syndrome. Last evaluated: 2026-03-14. Review status: criteria provided, single submitter. Criteria: DASA Assertion Criteria. Collection method: clinical testing. Allele origin: germline.
Comment: NM_004456.5(EZH2):c.1949T>C (p.Ile650Thr) is a missense variant that results in the substitution of isoleucine with threonine. The affected residue or protein region has prior evidence supporting clinical relevance. This variant is rare in population databases. Computational prediction algorithms are consistent with a deleterious effect. The currently available literature and clinical evidence are not sufficient to establish a definitive association between this variant and the reported condition. Therefore, this variant is classified as a variant of uncertain significance.

Laboratorio de Genetica e Diagnostico Molecular, Hospital Israelita Albert Einstein
Classification: Uncertain significance for Weaver syndrome. Last evaluated: 2025-07-25. Review status: criteria provided, single submitter. Criteria: ACMG Guidelines, 2015. Collection method: clinical testing. Allele origin: germline. Affected: yes.
Comment: ACMG classification criteria: PM2 supporting, PP2 supporting, PP3 supporting

Labcorp Genetics (formerly Invitae), Labcorp
Classification: Uncertain significance for Weaver syndrome. Last evaluated: 2024-01-07. Review status: criteria provided, single submitter. Criteria: Invitae Variant Classification Sherloc (09022015). Collection method: clinical testing. Allele origin: germline.
Comment: This sequence change replaces isoleucine, which is neutral and non-polar, with threonine, which is neutral and polar, at codon 650 of the EZH2 protein (p.Ile650Thr). This variant is not present in population databases (gnomAD no frequency). This variant has not been reported in the literature in individuals affected with EZH2-related conditions. An algorithm developed to predict the effect of missense changes on protein structure and function (PolyPhen-2) suggests that this variant is likely to be disruptive. In summary, the available evidence is currently insufficient to determine the role of this variant in disease. Therefore, it has been classified as a Variant of Uncertain Significance.

NM_004456.5(EZH2):c.1949T>C (p.Ile650Thr)

Gene: EZH2 (enhancer of zeste 2 polycomb repressive complex 2 subunit; minus strand). Cytogenetic location: 7q36.1.
Variant type: single nucleotide variant.
Coding change: c.1949T>C on transcript NM_004456.5 (MANE Select); coding-DNA position 1949, T replaced by C.
Protein change: p.Ile650Thr; replaces isoleucine 650 with threonine.
Molecular consequence: missense variant.
Genome position (GRCh38, 1-based): chr7:148,810,413, A>G on the plus strand (T>C on the coding strand, the complement: EZH2 is on the minus strand). VCF-style: chr7-148810413-A-G. GRCh37 (hg19) VCF-style: chr7-148507505-A-G.
Other names: c.1934T>C, p.Ile645Thr (NM_001203247.2); c.1907T>C, p.Ile636Thr (NM_001203248.2); c.1781T>C, p.Ile594Thr (NM_001203249.2); c.1817T>C, p.Ile606Thr (NM_152998.3); short protein forms I606T, I594T, I636T, I645T, I650T.
Identifiers: ClinVar variation 2972430 (VCV002972430.6), dbSNP rs2536337618, ClinGen allele CA369712780.